The following is an entry in ClinVar:

NM_006059.4(LAMC3):c.2800G>A (p.Gly934Arg)

Gene: LAMC3 (laminin subunit gamma 3; plus strand). Cytogenetic location: 9q34.12.
Variant type: single nucleotide variant.
Coding change: c.2800G>A on transcript NM_006059.4 (MANE Select); coding-DNA position 2800, G replaced by A.
Protein change: p.Gly934Arg; replaces glycine 934 with arginine.
Molecular consequence: missense variant.
Genome position (GRCh38, 1-based): chr9:131,068,960, G>A. VCF-style: chr9-131068960-G-A. GRCh37 (hg19) VCF-style: chr9-133944347-G-A.
Other names: short protein forms G934R.
Identifiers: ClinVar variation 1384965 (VCV001384965.6), dbSNP rs934969329, ClinGen allele CA200664992.
Genomic context (GRCh38, chr9:131,068,960, plus strand): 5'-GATCACAGCTGCAAGTGTCACCCACTGGGCTCCCAGGAGGACCAGTGCCATCCCAAGACT[G>A]GACAGTGCACCTGCCGCCCAGGTGTCACAGGCCAGGCCTGTGACAGGTGCCAGCTGGGTT-3'
Protein context (NP_006050.3, residues 924-944): SQEDQCHPKT[Gly934Arg]QCTCRPGVTG

ClinVar aggregate classification (germline): Uncertain significance (1 of 4 stars; one submission).

Allele frequency attached by ClinVar (database versions not stated): gnomAD exomes below 0.00001.

Submission:

Labcorp Genetics (formerly Invitae), Labcorp
Classification: Uncertain significance. Last evaluated: 2021-04-23. Review status: criteria provided, single submitter. Criteria: Invitae Variant Classification Sherloc (09022015). Collection method: clinical testing. Allele origin: germline.
Comment: In summary, the available evidence is currently insufficient to determine the role of this variant in disease. Therefore, it has been classified as a Variant of Uncertain Significance. Algorithms developed to predict the effect of missense changes on protein structure and function are either unavailable or do not agree on the potential impact of this missense change (SIFT: "Deleterious"; PolyPhen-2: "Probably Damaging"; Align-GVGD: "Class C15"). This variant has not been reported in the literature in individuals with LAMC3-related conditions. This variant is not present in population databases (ExAC no frequency). This sequence change replaces glycine with arginine at codon 934 of the LAMC3 protein (p.Gly934Arg). The glycine residue is highly conserved and there is a moderate physicochemical difference between glycine and arginine.